The following is an entry in ClinVar:

ClinVar aggregate classification (germline): Conflicting classifications of pathogenicity. Review status: criteria provided, conflicting classifications (1 of 4 stars). 4 submissions from 4 submitters: Likely pathogenic (1); Uncertain significance (3). Last evaluated 2026-04-20.

Conditions:
Spastic paraplegia. Identifiers: MedGen C0037772, HP:0001258.
Charlevoix-Saguenay spastic ataxia (SACS). Also called: SPASTIC ATAXIA 6, AUTOSOMAL RECESSIVE; AUTOSOMAL RECESSIVE SPASTIC ATAXIA OF CHARLEVOIX-SAGUENAY; Spastic ataxia of Charlevoix-Saguenay. Identifiers: Orphanet 98, MedGen C1849140, MONDO:0010041, OMIM 270550.

Allele frequency attached by ClinVar (database versions not stated): gnomAD 0.00001; TOPMed 0.00002; ESP Exome Variant Server 0.00008.
gnomAD v4.1: 5 of 1,612,258 alleles (0.00031%); highest among the groups gnomAD compares: Middle Eastern, 0.033%; no homozygotes.

Submissions (4):

Women's Health and Genetics/Laboratory Corporation of America, LabCorp
Classification: Uncertain significance. Last evaluated: 2026-04-20. Review status: criteria provided, single submitter. Criteria: LabCorp Variant Classification Summary - May 2015. Collection method: clinical testing. Allele origin: germline.
Comment: Variant summary: SACS c.3391C>T (p.Leu1131Phe) results in a non-conservative amino acid change in the encoded protein sequence. Algorithms developed to predict the effect of missense changes on protein structure and function all suggest that this variant is likely to be disruptive. The variant was absent in 249570 control chromosomes. The available data on variant occurrences in the general population are insufficient to allow any conclusion about variant significance. To our knowledge, no occurrence of c.3391C>T in individuals affected with SACS-related conditions and no experimental evidence demonstrating its impact on protein function have been reported. ClinVar contains an entry for this variant (Variation ID: 240899). Based on the evidence outlined above, the variant was classified as uncertain significance.

Labcorp Genetics (formerly Invitae), Labcorp
Classification: Uncertain significance for Spastic paraplegia. Last evaluated: 2024-08-28. Review status: criteria provided, single submitter. Criteria: Invitae Variant Classification Sherloc (09022015). Collection method: clinical testing. Allele origin: germline.
Comment: This sequence change replaces leucine, which is neutral and non-polar, with phenylalanine, which is neutral and non-polar, at codon 1131 of the SACS protein (p.Leu1131Phe). This variant is present in population databases (rs139805032, gnomAD 0.007%). This missense change has been observed in individuals with clinical features of hereditary spastic paraplegia (internal data). ClinVar contains an entry for this variant (Variation ID: 240899). Invitae Evidence Modeling of protein sequence and biophysical properties (such as structural, functional, and spatial information, amino acid conservation, physicochemical variation, residue mobility, and thermodynamic stability) indicates that this missense variant is not expected to disrupt SACS protein function with a negative predictive value of 95%. In summary, the available evidence is currently insufficient to determine the role of this variant in disease. Therefore, it has been classified as a Variant of Uncertain Significance.

Genome-Nilou Lab
Classification: Uncertain significance for Charlevoix-Saguenay spastic ataxia. Last evaluated: 2021-09-05. Review status: criteria provided, single submitter. Criteria: ACMG Guidelines, 2015. Collection method: clinical testing. Allele origin: germline. Affected: no.

Mendelics
Classification: Likely pathogenic for Charlevoix-Saguenay spastic ataxia. Last evaluated: 2019-05-28. Review status: criteria provided, single submitter. Criteria: Mendelics Assertion Criteria 2017. Collection method: clinical testing. Allele origin: unknown.

NM_014363.6(SACS):c.3391C>T (p.Leu1131Phe)

Gene: SACS (sacsin molecular chaperone; minus strand). Cytogenetic location: 13q12.12.
Variant type: single nucleotide variant.
Coding change: c.3391C>T on transcript NM_014363.6 (MANE Select); coding-DNA position 3391, C replaced by T.
Protein change: p.Leu1131Phe; replaces leucine 1131 with phenylalanine.
Molecular consequence: missense variant.
Genome position (GRCh38, 1-based): chr13:23,340,485, G>A on the plus strand (C>T on the coding strand, the complement: SACS is on the minus strand). VCF-style: chr13-23340485-G-A. GRCh37 (hg19) VCF-style: chr13-23914624-G-A.
Other names: c.2950C>T, p.Leu984Phe (NM_001278055.2); short protein forms L1131F, L984F.
Identifiers: ClinVar variation 240899 (VCV000240899.13), dbSNP rs139805032, ClinGen allele CA6911531.